The following is an entry in ClinVar:

ClinVar aggregate classification (germline): Uncertain significance (1 of 4 stars; one submission).

Conditions:
Hajdu-Cheney syndrome (HJCYS). Also called: ACROOSTEOLYSIS WITH OSTEOPOROSIS AND CHANGES IN SKULL AND MANDIBLE; SERPENTINE FIBULA-POLYCYSTIC KIDNEY SYNDROME; Acroosteolysis dominant type. Identifiers: Orphanet 955, MedGen C0917715, MONDO:0007057, OMIM 102500.

gnomAD v4.1: 7 of 1,614,060 alleles (0.00043%); highest among the groups gnomAD compares: Non-Finnish European, 0.00051%; no homozygotes.

Submission:

Labcorp Genetics (formerly Invitae), Labcorp
Classification: Uncertain significance for Hajdu-Cheney syndrome. Last evaluated: 2024-02-05. Review status: criteria provided, single submitter. Criteria: Invitae Variant Classification Sherloc (09022015). Collection method: clinical testing. Allele origin: germline.
Comment: This sequence change replaces proline, which is neutral and non-polar, with alanine, which is neutral and non-polar, at codon 2274 of the NOTCH2 protein (p.Pro2274Ala). This variant is not present in population databases (gnomAD no frequency). This variant has not been reported in the literature in individuals affected with NOTCH2-related conditions. Advanced modeling of protein sequence and biophysical properties (such as structural, functional, and spatial information, amino acid conservation, physicochemical variation, residue mobility, and thermodynamic stability) performed at Invitae indicates that this missense variant is not expected to disrupt NOTCH2 protein function with a negative predictive value of 80%. In summary, the available evidence is currently insufficient to determine the role of this variant in disease. Therefore, it has been classified as a Variant of Uncertain Significance.

NM_024408.4(NOTCH2):c.6820C>G (p.Pro2274Ala)

Gene: NOTCH2 (notch receptor 2; minus strand). Cytogenetic location: 1p12.
Variant type: single nucleotide variant.
Coding change: c.6820C>G on transcript NM_024408.4 (MANE Select); coding-DNA position 6820, C replaced by G.
Protein change: p.Pro2274Ala; replaces proline 2274 with alanine.
Molecular consequence: missense variant.
Genome position (GRCh38, 1-based): chr1:119,915,902, G>C on the plus strand (C>G on the coding strand, the complement: NOTCH2 is on the minus strand). VCF-style: chr1-119915902-G-C. GRCh37 (hg19) VCF-style: chr1-120458525-G-C.
Other names: short protein forms P2274A.
Identifiers: ClinVar variation 3680492 (VCV003680492.2).